The following is an entry in ClinVar:

ClinVar aggregate classification (germline): Uncertain significance (1 of 4 stars; one submission).

Allele frequency attached by ClinVar (database versions not stated): gnomAD exomes below 0.00001.
gnomAD v4.1: 3 of 1,613,458 alleles (0.00019%); highest among the groups gnomAD compares: Non-Finnish European, 0.00025%; no homozygotes.

Submission:

Labcorp Genetics (formerly Invitae), Labcorp
Classification: Uncertain significance. Last evaluated: 2021-11-21. Review status: criteria provided, single submitter. Criteria: Invitae Variant Classification Sherloc (09022015). Collection method: clinical testing. Allele origin: germline.
Comment: In summary, the available evidence is currently insufficient to determine the role of this variant in disease. Therefore, it has been classified as a Variant of Uncertain Significance. Algorithms developed to predict the effect of missense changes on protein structure and function (SIFT, PolyPhen-2, Align-GVGD) all suggest that this variant is likely to be disruptive. This variant has not been reported in the literature in individuals affected with TRMT10A-related conditions. This variant is not present in population databases (gnomAD no frequency). This sequence change replaces serine, which is neutral and polar, with leucine, which is neutral and non-polar, at codon 190 of the TRMT10A protein (p.Ser190Leu).

NM_001134665.3(TRMT10A):c.569C>T (p.Ser190Leu)

Gene: TRMT10A (tRNA methyltransferase 10A; minus strand). Cytogenetic location: 4q23.
Variant type: single nucleotide variant.
Coding change: c.569C>T on transcript NM_001134665.3 (MANE Select); coding-DNA position 569, C replaced by T.
Protein change: p.Ser190Leu; replaces serine 190 with leucine.
Molecular consequence: missense variant.
Genome position (GRCh38, 1-based): chr4:99,553,861, G>A on the plus strand (C>T on the coding strand, the complement: TRMT10A is on the minus strand). VCF-style: chr4-99553861-G-A. GRCh37 (hg19) VCF-style: chr4-100475018-G-A.
Other names: c.569C>T, p.Ser190Leu (NM_001134666.3, NM_001375880.1, NM_001375881.1 and 2 more transcripts); short protein forms S190L.
Identifiers: ClinVar variation 1380979 (VCV001380979.6), dbSNP rs2110186644, ClinGen allele CA357509261.